The following is an entry in ClinVar:

ClinVar aggregate classification (germline): Likely pathogenic (1 of 4 stars; one submission).

Conditions:
Autosomal dominant GRIN2B-related disorders.

Submission:

Variantyx, Inc.
Classification: Likely pathogenic for Autosomal dominant GRIN2B-related disorders. Last evaluated: 2025-11-12. Review status: criteria provided, single submitter. Criteria: Variantyx Assertion Criteria 2022. Collection method: clinical testing. Allele origin: de novo. Inheritance: Autosomal dominant inheritance. Affected: yes.
Comment: This is a nonsynonymous variant in the GRIN2B gene (OMIM: 138252). Pathogenic variants in this gene have been associated with autosomal dominant GRIN2B-related disorders. This variant lies within a known hotspot for pathogenic variants or a well-established critical functional domain of the GRIN2B protein (PMID: 28377535) (PM1). Multiple computational algorithms predict a deleterious effect for this variant (REVEL score: 0.676) (PP3). This variant is absent from control populations (PM2). and it has not been reported in individuals with GRIN2B-related disorders in the databases available for review. Based on the current evidence, this variant is classified as likely pathogenic for autosomal dominant GRIN2B-related disorders.

Literature cited by the submitters: PubMed 28377535.

NM_000834.5(GRIN2B):c.1960A>G (p.Met654Val)

Gene: GRIN2B (glutamate ionotropic receptor NMDA type subunit 2B; minus strand). Cytogenetic location: 12p13.1.
Variant type: single nucleotide variant.
Coding change: c.1960A>G on transcript NM_000834.5 (MANE Select); coding-DNA position 1960, A replaced by G.
Protein change: p.Met654Val; replaces methionine 654 with valine.
Molecular consequence: missense variant.
Genome position (GRCh38, 1-based): chr12:13,608,653, T>C on the plus strand (A>G on the coding strand, the complement: GRIN2B is on the minus strand). VCF-style: chr12-13608653-T-C. GRCh37 (hg19) VCF-style: chr12-13761587-T-C.
Other names: c.1960A>G, p.Met654Val (NM_001413992.1); short protein forms M654V.
Identifiers: ClinVar variation 4850164 (VCV004850164.1).
Genomic context (GRCh38, chr12:13,608,653, plus strand): 5'-AGTCTCTTACCTTTTTGTCGCTCAGGCCAGAAACCTGGTCCACATATTCCTCTTGGATCA[T>C]GAAGGCAGCTAAGTTGGCAGTGTAGCTGGCCAGGAAGATGACAGCAAAGAAGGCCCACAC-3'
Protein context (NP_000825.2, residues 644-664): ASYTANLAAF[Met654Val]IQEEYVDQVS